The following is an entry in ClinVar:

ClinVar aggregate classification (germline): Uncertain significance. Review status: criteria provided, multiple submitters, no conflicts (2 of 4 stars). 6 submissions from 6 submitters: Uncertain significance (6). Last evaluated 2025-11-23.

Conditions:
Classic or attenuated familial adenomatous polyposis. Identifiers: MedGen CN372698, MONDO:0021057.
Familial adenomatous polyposis 1 (FAP1). Also called: POLYPOSIS, ADENOMATOUS INTESTINAL; FAMILIAL ADENOMATOUS POLYPOSIS 1, ATTENUATED. Identifiers: MedGen C2713442, MONDO:0021056, OMIM 175100. Disease mechanism: loss of function.
Hereditary cancer-predisposing syndrome. Also called: Tumor predisposition; Hereditary neoplastic syndrome; Neoplastic Syndromes, Hereditary; Hereditary Cancer Syndrome. Identifiers: Orphanet 140162, MedGen C0027672, MeSH D009386, MONDO:0015356.

gnomAD v4.1: 11 of 1,614,104 alleles (0.00068%); highest among the groups gnomAD compares: Non-Finnish European, 0.00093%; no homozygotes.

Submissions (6):

Labcorp Genetics (formerly Invitae), Labcorp
Classification: Uncertain significance for Familial adenomatous polyposis 1. Last evaluated: 2025-11-23. Review status: criteria provided, single submitter. Criteria: Invitae Variant Classification Sherloc (09022015). Collection method: clinical testing. Allele origin: germline.
Comment: This sequence change replaces glycine, which is neutral and non-polar, with valine, which is neutral and non-polar, at codon 1094 of the APC protein (p.Gly1094Val). This variant is not present in population databases (gnomAD no frequency). This variant has not been reported in the literature in individuals affected with APC-related conditions. ClinVar contains an entry for this variant (Variation ID: 469915). Invitae Evidence Modeling of protein sequence and biophysical properties (such as structural, functional, and spatial information, amino acid conservation, physicochemical variation, residue mobility, and thermodynamic stability) indicates that this missense variant is not expected to disrupt APC protein function with a negative predictive value of 95%. RNA analysis performed to evaluate the impact of this missense change on mRNA splicing indicates it does not significantly alter splicing (internal data). In summary, the available evidence is currently insufficient to determine the role of this variant in disease. Therefore, it has been classified as a Variant of Uncertain Significance.

Ambry Genetics
Classification: Uncertain significance for Hereditary cancer-predisposing syndrome. Last evaluated: 2025-09-22. Review status: criteria provided, single submitter. Criteria: Ambry Variant Classification Scheme 2023. Collection method: clinical testing. Allele origin: germline.
Comment: The p.G1094V variant (also known as c.3281G>T), located in coding exon 15 of the APC gene, results from a G to T substitution at nucleotide position 3281. The glycine at codon 1094 is replaced by valine, an amino acid with dissimilar properties. This amino acid position is well conserved in available vertebrate species. In addition, in silico predictors for this gene do not accurately predict pathogenicity. Since supporting evidence is limited at this time, the clinical significance of this alteration remains unclear.

Mayo Clinic Laboratories, Mayo Clinic
Classification: Uncertain significance. Last evaluated: 2024-09-24. Review status: criteria provided, single submitter. Criteria: ACMG Guidelines, 2015. Collection method: clinical testing. Allele origin: germline. Observed: 1 variant allele.
Comment: PM2

Color Diagnostics, LLC DBA Color Health
Classification: Uncertain significance for Hereditary cancer-predisposing syndrome. Last evaluated: 2024-03-06. Review status: criteria provided, single submitter. Criteria: ACMG Guidelines, 2015. Collection method: clinical testing. Allele origin: germline.
Comment: This missense variant replaces glycine with valine at codon 1094 of the APC protein. Computational prediction suggests that this variant may not impact protein structure and function (internally defined REVEL score threshold <= 0.5, PMID: 27666373). To our knowledge, functional studies have not been reported for this variant. This variant has not been reported in individuals affected with hereditary cancer in the literature. This variant has not been identified in the general population by the Genome Aggregation Database (gnomAD). The available evidence is insufficient to determine the role of this variant in disease conclusively. Therefore, this variant is classified as a Variant of Uncertain Significance.

All of Us Research Program, National Institutes of Health
Classification: Uncertain significance for Classic or attenuated familial adenomatous polyposis. Last evaluated: 2023-08-08. Review status: criteria provided, single submitter. Criteria: ACMG Guidelines, 2015. Collection method: clinical testing. Allele origin: germline. Inheritance: Autosomal dominant inheritance. Observed: 1 variant allele, 1 heterozygote.
Comment: This missense variant replaces glycine with valine at codon 1094 of the APC protein. Computational prediction suggests that this variant may not impact protein structure and function (internally defined REVEL score threshold <= 0.5, PMID: 27666373). To our knowledge, functional studies have not been reported for this variant. This variant has not been reported in individuals affected with hereditary cancer in the literature. This variant has not been identified in the general population by the Genome Aggregation Database (gnomAD). The available evidence is insufficient to determine the role of this variant in disease conclusively. Therefore, this variant is classified as a Variant of Uncertain Significance.

This study involves interpretation of variants in research participants for the purpose of population health screening. Participant phenotype was not available at the time of variant classification. Additional details can be found in publication PMID: 35346344, PMCID: PMC8962531

GeneDx
Classification: Uncertain significance. Last evaluated: 2023-05-25. Review status: criteria provided, single submitter. Criteria: GeneDx Variant Classification Process June 2021. Collection method: clinical testing. Allele origin: germline.
Comment: Not observed at significant frequency in large population cohorts (gnomAD); In silico analysis supports that this missense variant has a deleterious effect on protein structure/function; Has not been previously published as pathogenic or benign to our knowledge; This variant is associated with the following publications: (PMID: 18199528)

NM_000038.6(APC):c.3281G>T (p.Gly1094Val)

Gene: APC (APC regulator of Wnt signaling pathway; plus strand). Cytogenetic location: 5q22.2.
Variant type: single nucleotide variant.
Coding change: c.3281G>T on transcript NM_000038.6 (MANE Select); coding-DNA position 3281, G replaced by T.
Protein change: p.Gly1094Val; replaces glycine 1094 with valine.
Molecular consequence: missense variant.
Genome position (GRCh38, 1-based): chr5:112,838,875, G>T. VCF-style: chr5-112838875-G-T. GRCh37 (hg19) VCF-style: chr5-112174572-G-T.
Other names: p.Gly1094Val; c.3281G>T, p.Gly1094Val (NM_001127510.3, NM_001354895.2); c.3227G>T, p.Gly1076Val (NM_001127511.3); c.3335G>T, p.Gly1112Val (NM_001354896.2); c.3311G>T, p.Gly1104Val (NM_001354897.2); c.3206G>T, p.Gly1069Val (NM_001354898.2); c.3197G>T, p.Gly1066Val (NM_001354899.2); c.3158G>T, p.Gly1053Val (NM_001354900.2); and 6 more; short protein forms G1076V, G1094V, G1003V, G1053V, G1069V, G993V, G1035V, G1066V.
Identifiers: ClinVar variation 469915 (VCV000469915.28), dbSNP rs1554084898, ClinGen allele CA16028538.